The following is an entry in ClinVar:

ClinVar aggregate classification (germline): Uncertain significance (1 of 4 stars; one submission).

Submission:

CeGaT Center for Human Genetics Tuebingen
Classification: Uncertain significance. Last evaluated: 2024-09-01. Review status: criteria provided, single submitter. Criteria: CeGaT Center For Human Genetics Tuebingen Variant Classification Criteria Version 2. Collection method: clinical testing. Allele origin: germline. Affected: yes. Observed: 1 variant allele.
Comment: SUFU: PM2, BP4

NM_016169.4(SUFU):c.1023-4A>T

Gene: SUFU (SUFU negative regulator of hedgehog signaling; plus strand). Cytogenetic location: 10q24.32.
Variant type: single nucleotide variant.
Coding change: c.1023-4A>T on transcript NM_016169.4 (MANE Select); 4 bases into the intron before coding-DNA position 1023, A replaced by T.
Molecular consequence: intron variant.
Genome position (GRCh38, 1-based): chr10:102,615,264, A>T. VCF-style: chr10-102615264-A-T. GRCh37 (hg19) VCF-style: chr10-104375021-A-T.
Other names: c.1023-4A>T (NM_001178133.2).
Identifiers: ClinVar variation 3389556 (VCV003389556.14).